The following is an entry in ClinVar:

NM_001378477.3(NYX):c.449T>C (p.Leu150Pro)

Gene: NYX (nyctalopin; plus strand). Cytogenetic location: Xp11.4.
Variant type: single nucleotide variant.
Coding change: c.449T>C on transcript NM_001378477.3 (MANE Select); coding-DNA position 449, T replaced by C.
Protein change: p.Leu150Pro; replaces leucine 150 with proline.
Molecular consequence: missense variant.
Genome position (GRCh38, 1-based): chrX:41,473,917, T>C. VCF-style: chrX-41473917-T-C. GRCh37 (hg19) VCF-style: chrX-41333170-T-C.
Other names: c.449T>C, p.Leu150Pro (NM_022567.3); short protein forms L150P.
Identifiers: ClinVar variation 1946417 (VCV001946417.5), dbSNP rs2519607335, ClinGen allele CA412990407.

ClinVar aggregate classification (germline): Uncertain significance (1 of 4 stars; one submission).

Submission:

Labcorp Genetics (formerly Invitae), Labcorp
Classification: Uncertain significance. Last evaluated: 2022-07-30. Review status: criteria provided, single submitter. Criteria: Invitae Variant Classification Sherloc (09022015). Collection method: clinical testing. Allele origin: germline.
Comment: In summary, the available evidence is currently insufficient to determine the role of this variant in disease. Therefore, it has been classified as a Variant of Uncertain Significance. Algorithms developed to predict the effect of missense changes on protein structure and function are either unavailable or do not agree on the potential impact of this missense change (SIFT: "Deleterious"; PolyPhen-2: "Probably Damaging"; Align-GVGD: "Class C0"). This variant has not been reported in the literature in individuals affected with NYX-related conditions. This variant is not present in population databases (gnomAD no frequency). This sequence change replaces leucine, which is neutral and non-polar, with proline, which is neutral and non-polar, at codon 155 of the NYX protein (p.Leu155Pro).